The following is an entry in ClinVar:

NM_000051.4(ATM):c.5827A>T (p.Lys1943Ter)

Genes: ATM (ATM serine/threonine kinase; plus strand), C11orf65 (chromosome 11 open reading frame 65; minus strand). Cytogenetic location: 11q22.3.
Variant type: single nucleotide variant.
Coding change: c.5827A>T on transcript NM_000051.4 (MANE Select); coding-DNA position 5827, A replaced by T.
Protein change: p.Lys1943Ter; replaces lysine 1943 with a stop codon.
Molecular consequence: nonsense. On other transcripts: intron variant (2).
Genome position (GRCh38, 1-based): chr11:108,310,224, A>T. VCF-style: chr11-108310224-A-T. GRCh37 (hg19) VCF-style: chr11-108180951-A-T.
Other names: c.5827A>T, p.Lys1943Ter (NM_001351834.2); c.641-1153T>A (NM_001330368.2); c.*39-1153T>A (NM_001351110.2); short protein forms K1943*.
Identifiers: ClinVar variation 2808224 (VCV002808224.3), dbSNP rs779692309, ClinGen allele CA382548410.

ClinVar aggregate classification (germline): Pathogenic (1 of 4 stars; one submission).

Conditions:
Ataxia-telangiectasia syndrome (AT). Also called: LOUIS-BAR SYNDROME; Cerebello-oculocutaneous telangiectasia; Immunodeficiency with ataxia telangiectasia; Ataxia telangiectasia (A-T); Ataxia-telangiectasia, complementation group D; AT, COMPLEMENTATION GROUP C. Identifiers: Orphanet 100, MedGen C0004135, MONDO:0008840, OMIM 208900.

Submission:

Labcorp Genetics (formerly Invitae), Labcorp
Classification: Pathogenic for Ataxia-telangiectasia syndrome. Last evaluated: 2022-10-11. Review status: criteria provided, single submitter. Criteria: Invitae Variant Classification Sherloc (09022015). Collection method: clinical testing. Allele origin: germline.
Comment: For these reasons, this variant has been classified as Pathogenic. This variant has not been reported in the literature in individuals affected with ATM-related conditions. This variant is not present in population databases (gnomAD no frequency). This sequence change creates a premature translational stop signal (p.Lys1943*) in the ATM gene. It is expected to result in an absent or disrupted protein product. Loss-of-function variants in ATM are known to be pathogenic (PMID: 23807571, 25614872).

Literature cited by the submitters: PubMed 23807571; PubMed 25614872.